The following is an entry in ClinVar:

ClinVar aggregate classification (germline): Likely benign (1 of 4 stars; one submission).

Allele frequency attached by ClinVar (database versions not stated): gnomAD exomes 0.00136; 1000 Genomes Project 30x 0.00297; 1000 Genomes Project 0.00319; gnomAD 0.00395; TOPMed 0.00433.
gnomAD v4.1: 955 of 398,662 alleles (0.24%); highest among the groups gnomAD compares: African/African-American, 1%; 3 homozygotes.

Submission:

CeGaT Center for Human Genetics Tuebingen
Classification: Likely benign. Last evaluated: 2026-09-01. Review status: criteria provided, single submitter. Criteria: CeGaT Center For Human Genetics Tuebingen Variant Classification Criteria Version 2. Collection method: clinical testing. Allele origin: germline. Affected: yes. Observed: 37 variant alleles.
Comment: KCNQ1: BS1; KCNQ1OT1: BS1

NM_000218.3(KCNQ1):c.1394-6379G>A

Genes: KCNQ1 (potassium voltage-gated channel subfamily Q member 1; plus strand), KCNQ1OT1 (KCNQ1 opposite strand/antisense transcript 1; minus strand). Cytogenetic location: 11p15.5.
Variant type: single nucleotide variant.
Coding change: c.1394-6379G>A on transcript NM_000218.3 (MANE Select); 6379 bases into the intron before coding-DNA position 1394, G replaced by A.
Molecular consequence: intron variant.
Genome position (GRCh38, 1-based): chr11:2,655,582, G>A. VCF-style: chr11-2655582-G-A. GRCh37 (hg19) VCF-style: chr11-2676812-G-A.
Other names: c.1124-6379G>A (NM_001406837.1); c.1298-6379G>A (NM_001406836.1); c.854-6379G>A (NM_001406838.1); c.1013-6379G>A (NM_181798.2).
Identifiers: ClinVar variation 1711292 (VCV001711292.30), dbSNP rs193000936, ClinGen allele CA216166354.